The following is an entry in ClinVar:

NM_018062.4(FANCL):c.541-3C>T

Gene: FANCL (FA complementation group L; minus strand). Cytogenetic location: 2p16.1.
Variant type: single nucleotide variant.
Coding change: c.541-3C>T on transcript NM_018062.4 (MANE Select); 3 bases into the intron before coding-DNA position 541, C replaced by T.
Molecular consequence: intron variant.
Genome position (GRCh38, 1-based): chr2:58,165,877, G>A on the plus strand (C>T on the coding strand, the complement: FANCL is on the minus strand). VCF-style: chr2-58165877-G-A. GRCh37 (hg19) VCF-style: chr2-58393012-G-A.
Other names: c.586-3C>T (NM_001374615.1); c.556-3C>T (NM_001114636.2); c.601-3C>T (NM_001410792.1).
Identifiers: ClinVar variation 1420449 (VCV001420449.6), dbSNP rs759711454, ClinGen allele CA1670555.

ClinVar aggregate classification (germline): Uncertain significance (1 of 4 stars; one submission).

Conditions:
Fanconi anemia (FA). Also called: Fanconi's anemia. Identifiers: Orphanet 84, MedGen C0015625, MeSH D005199, MONDO:0019391.

Allele frequency attached by ClinVar (database versions not stated): gnomAD exomes 0.00002; TOPMed 0.00003; gnomAD 0.00001; ExAC 0.00002.
gnomAD v4.1: 26 of 1,613,406 alleles (0.0016%); highest among the groups gnomAD compares: Admixed American, 0.0033%; no homozygotes.

Submission:

Labcorp Genetics (formerly Invitae), Labcorp
Classification: Uncertain significance for Fanconi anemia. Last evaluated: 2024-01-08. Review status: criteria provided, single submitter. Criteria: Invitae Variant Classification Sherloc (09022015). Collection method: clinical testing. Allele origin: germline.
Comment: This sequence change falls in intron 7 of the FANCL gene. It does not directly change the encoded amino acid sequence of the FANCL protein. It affects a nucleotide within the consensus splice site. This variant is present in population databases (rs759711454, gnomAD 0.006%). This variant has not been reported in the literature in individuals affected with FANCL-related conditions. ClinVar contains an entry for this variant (Variation ID: 1420449). Variants that disrupt the consensus splice site are a relatively common cause of aberrant splicing (PMID: 17576681, 9536098). Algorithms developed to predict the effect of sequence changes on RNA splicing suggest that this variant is not likely to affect RNA splicing. In summary, the available evidence is currently insufficient to determine the role of this variant in disease. Therefore, it has been classified as a Variant of Uncertain Significance.

Literature cited by the submitters: PubMed 17576681; PubMed 9536098.